The following is an entry in ClinVar:

ClinVar aggregate classification (germline): Uncertain significance (1 of 4 stars; one submission).

Submission:

Labcorp Genetics (formerly Invitae), Labcorp
Classification: Uncertain significance. Last evaluated: 2025-04-22. Review status: criteria provided, single submitter. Criteria: Invitae Variant Classification Sherloc (09022015). Collection method: clinical testing. Allele origin: germline.
Comment: This sequence change replaces phenylalanine, which is neutral and non-polar, with cysteine, which is neutral and slightly polar, at codon 1802 of the ALPK3 protein (p.Phe1802Cys). This variant is not present in population databases (gnomAD no frequency). This variant has not been reported in the literature in individuals affected with ALPK3-related conditions. Invitae Evidence Modeling of protein sequence and biophysical properties (such as structural, functional, and spatial information, amino acid conservation, physicochemical variation, residue mobility, and thermodynamic stability) indicates that this missense variant is not expected to disrupt ALPK3 protein function with a negative predictive value of 80%. In summary, the available evidence is currently insufficient to determine the role of this variant in disease. Therefore, it has been classified as a Variant of Uncertain Significance.

NM_020778.5(ALPK3):c.4799T>G (p.Phe1600Cys)

Gene: ALPK3 (alpha kinase 3; plus strand). Cytogenetic location: 15q25.3.
Variant type: single nucleotide variant.
Coding change: c.4799T>G on transcript NM_020778.5 (MANE Select); coding-DNA position 4799, T replaced by G.
Protein change: p.Phe1600Cys; replaces phenylalanine 1600 with cysteine.
Molecular consequence: missense variant.
Genome position (GRCh38, 1-based): chr15:84,868,137, T>G. VCF-style: chr15-84868137-T-G. GRCh37 (hg19) VCF-style: chr15-85411368-T-G.
Other names: short protein forms F1600C.
Identifiers: ClinVar variation 4741461 (VCV004741461.1).
Genomic context (GRCh38, chr15:84,868,137, plus strand): 5'-GGACCCCCACTCAGCTCTTCCTGTCTGGCTGCAGATACCAGGGCCTCAAGGAAAGCTGCT[T>G]CCCTGCCCTGCTGGACCGGTTCGCCTCCTCCCACCAGTGCAATGCCTACTGTGAGCTGCT-3'
Protein context (NP_065829.4, residues 1590-1610): RGYQGLKESC[Phe1600Cys]PALLDRFASS